The following is an entry in ClinVar:

NM_006514.4(SCN10A):c.3858C>T (p.Leu1286=)

Gene: SCN10A (sodium voltage-gated channel alpha subunit 10; minus strand). Cytogenetic location: 3p22.2.
Variant type: single nucleotide variant.
Coding change: c.3858C>T on transcript NM_006514.4 (MANE Select); coding-DNA position 3858, C replaced by T.
Protein change: p.Leu1286=; no amino-acid change (leucine 1286 retained).
Molecular consequence: synonymous variant.
Genome position (GRCh38, 1-based): chr3:38,712,392, G>A on the plus strand (C>T on the coding strand, the complement: SCN10A is on the minus strand). VCF-style: chr3-38712392-G-A. GRCh37 (hg19) VCF-style: chr3-38753883-G-A.
Other names: c.3858C>T (NM_006514.3); c.3855C>T, p.Leu1285= (NM_001293306.2); c.3564C>T, p.Leu1188= (NM_001293307.2).
Identifiers: ClinVar variation 1153531 (VCV001153531.11), dbSNP rs748570604, ClinGen allele CA2320080.

ClinVar aggregate classification (germline): Likely benign. Review status: criteria provided, multiple submitters, no conflicts (2 of 4 stars). 3 submissions from 3 submitters: Likely benign (2). 1 of the submissions does not count toward it. Last evaluated 2025-12-23.

Conditions:
SCN10A-related disorder. Also called: SCN10A-related condition.
Brugada syndrome. Also called: Sudden unexpected nocturnal death syndrome; Sudden Unexplained Death Syndrome; Sudden Unexplained Nocturnal Death Syndrome (SUNDS); Sudden unexplained nocturnal death syndrome. Identifiers: Orphanet 130, MedGen C1142166, MONDO:0015263.
Cardiovascular phenotype. Identifiers: MedGen CN230736.

Allele frequency attached by ClinVar (database versions not stated): gnomAD exomes 0.00001 and 0.00002; ExAC 0.00002; gnomAD 0.00002; TOPMed 0.00007.
gnomAD v4.1: 15 of 1,614,050 alleles (0.00093%); highest among the groups gnomAD compares: East Asian, 0.0067%; no homozygotes.

Submissions (3):

Labcorp Genetics (formerly Invitae), Labcorp
Classification: Likely benign for Brugada syndrome. Last evaluated: 2025-12-23. Review status: criteria provided, single submitter. Criteria: Invitae Variant Classification Sherloc (09022015). Collection method: clinical testing. Allele origin: germline.

Ambry Genetics
Classification: Likely benign for Cardiovascular phenotype. Last evaluated: 2021-05-19. Review status: criteria provided, single submitter. Criteria: Ambry Variant Classification Scheme 2023. Collection method: clinical testing. Allele origin: germline.

PreventionGenetics, part of Exact Sciences
Classification: Likely benign for SCN10A-related condition. Last evaluated: 2020-03-09. Review status: no assertion criteria provided. Collection method: clinical testing. Allele origin: germline. Not counted in ClinVar's aggregate classification.
Comment: This variant is classified as likely benign based on ACMG/AMP sequence variant interpretation guidelines (Richards et al. 2015 PMID: 25741868, with internal and published modifications).